The following is an entry in ClinVar:

ClinVar aggregate classification (germline): Uncertain significance (1 of 4 stars; one submission).

Conditions:
Hereditary cancer-predisposing syndrome. Also called: Neoplastic Syndromes, Hereditary; Tumor predisposition; Hereditary neoplastic syndrome; Hereditary Cancer Syndrome. Identifiers: Orphanet 140162, MedGen C0027672, MeSH D009386, MONDO:0015356.

Submission:

Ambry Genetics
Classification: Uncertain significance for Hereditary cancer-predisposing syndrome. Last evaluated: 2024-02-16. Review status: criteria provided, single submitter. Criteria: Ambry Variant Classification Scheme 2023. Collection method: clinical testing. Allele origin: germline.
Comment: The p.L147M variant (also known as c.439C>A), located in coding exon 3 of the CDK4 gene, results from a C to A substitution at nucleotide position 439. The leucine at codon 147 is replaced by methionine, an amino acid with highly similar properties. This amino acid position is conserved. In addition, this alteration is predicted to be deleterious by in silico analysis. Based on the available evidence, the clinical significance of this alteration remains unclear.

NM_000075.4(CDK4):c.439C>A (p.Leu147Met)

Gene: CDK4 (cyclin dependent kinase 4; minus strand). Cytogenetic location: 12q14.1.
Variant type: single nucleotide variant.
Coding change: c.439C>A on transcript NM_000075.4 (MANE Select); coding-DNA position 439, C replaced by A.
Protein change: p.Leu147Met; replaces leucine 147 with methionine.
Molecular consequence: missense variant.
Genome position (GRCh38, 1-based): chr12:57,751,006, G>T on the plus strand (C>A on the coding strand, the complement: CDK4 is on the minus strand). VCF-style: chr12-57751006-G-T. GRCh37 (hg19) VCF-style: chr12-58144789-G-T.
Other names: short protein forms L147M.
Identifiers: ClinVar variation 3230235 (VCV003230235.1), dbSNP rs2140386520, ClinGen allele CA385546491.